The following is an entry in ClinVar:

ClinVar aggregate classification (germline): Likely benign (0 of 4 stars; one submission).

Conditions:
IL6R-related disorder. Also called: IL6R-related condition.

Submission:

PreventionGenetics, part of Exact Sciences
Classification: Likely benign for IL6R-related condition. Last evaluated: 2019-09-04. Review status: no assertion criteria provided. Collection method: clinical testing. Allele origin: germline.
Comment: This variant is classified as likely benign based on ACMG/AMP sequence variant interpretation guidelines (Richards et al. 2015 PMID: 25741868, with internal and published modifications).

NM_000565.4(IL6R):c.458+7A>G

Gene: IL6R (interleukin 6 receptor; plus strand). Cytogenetic location: 1q21.3.
Variant type: single nucleotide variant.
Coding change: c.458+7A>G on transcript NM_000565.4 (MANE Select); 7 bases into the intron after coding-DNA position 458, A replaced by G.
Molecular consequence: intron variant.
Genome position (GRCh38, 1-based): chr1:154,430,613, A>G. VCF-style: chr1-154430613-A-G. GRCh37 (hg19) VCF-style: chr1-154403089-A-G.
Other names: c.458+7A>G (NM_001382771.1, NM_001382773.1, NM_001382770.1 and 4 more transcripts); c.126+1377A>G (NM_001382774.1).
Identifiers: ClinVar variation 3053397 (VCV003053397.2), dbSNP rs2525467614, ClinGen allele CA2740090373.
Genomic context (GRCh38, chr1:154,430,613, plus strand): 5'-TCCTCGGAGCACCCCATCCCTGACGACAAAGGCTGTGCTCTTGGTGAGGAAGTTGTAAGT[A>G]TCTTGGGCTGAGCTATGTGCATGTTGGCTCCCTCCTTCCCGAGGCCCCCCAGAGAGGGGC-3'